The following is an entry in ClinVar:

NM_001371928.1(AHDC1):c.1836C>T (p.Tyr612=)

Gene: AHDC1 (AT-hook DNA binding motif containing 1; minus strand). Cytogenetic location: 1p36.11.
Variant type: single nucleotide variant.
Coding change: c.1836C>T on transcript NM_001371928.1 (MANE Select); coding-DNA position 1836, C replaced by T.
Protein change: p.Tyr612=; no amino-acid change (tyrosine 612 retained).
Molecular consequence: synonymous variant.
Genome position (GRCh38, 1-based): chr1:27,550,280, G>A on the plus strand (C>T on the coding strand, the complement: AHDC1 is on the minus strand). VCF-style: chr1-27550280-G-A. GRCh37 (hg19) VCF-style: chr1-27876791-G-A.
Other names: c.1836C>T, p.Tyr612= (NM_001029882.3).
Identifiers: ClinVar variation 727942 (VCV000727942.23), dbSNP rs1571238209, ClinGen allele CA416979316.

ClinVar aggregate classification (germline): Likely benign. Review status: criteria provided, multiple submitters, no conflicts (2 of 4 stars). 2 submissions from 2 submitters: Likely benign (2). Last evaluated 2025-12-18.

Allele frequency attached by ClinVar (database versions not stated): gnomAD exomes below 0.00001; TOPMed below 0.00001.
gnomAD v4.1: 2 of 1,614,052 alleles (0.00012%); highest among the groups gnomAD compares: Admixed American, 0.0017%; no homozygotes.

Submissions (2):

Labcorp Genetics (formerly Invitae), Labcorp
Classification: Likely benign. Last evaluated: 2025-12-18. Review status: criteria provided, single submitter. Criteria: Invitae Variant Classification Sherloc (09022015). Collection method: clinical testing. Allele origin: germline.

CeGaT Center for Human Genetics Tuebingen
Classification: Likely benign. Last evaluated: 2024-06-01. Review status: criteria provided, single submitter. Criteria: CeGaT Center For Human Genetics Tuebingen Variant Classification Criteria Version 2. Collection method: clinical testing. Allele origin: germline. Affected: yes. Observed: 1 variant allele.
Comment: AHDC1: PM2:Supporting, BP4, BP7